The following is an entry in ClinVar:

NM_017617.5(NOTCH1):c.383G>A (p.Arg128His)

Gene: NOTCH1 (notch receptor 1; minus strand). Cytogenetic location: 9q34.3.
Variant type: single nucleotide variant.
Coding change: c.383G>A on transcript NM_017617.5 (MANE Select); coding-DNA position 383, G replaced by A.
Protein change: p.Arg128His; replaces arginine 128 with histidine.
Molecular consequence: missense variant.
Genome position (GRCh38, 1-based): chr9:136,523,737, C>T on the plus strand (G>A on the coding strand, the complement: NOTCH1 is on the minus strand). VCF-style: chr9-136523737-C-T. GRCh37 (hg19) VCF-style: chr9-139418189-C-T.
Other names: c.383G>A, p.Arg128His (LRG_1122t1); short protein forms R128H.
Identifiers: ClinVar variation 392535 (VCV000392535.12), dbSNP rs754086897, ClinGen allele CA5342193.
Genomic context (GRCh38, chr9:136,523,737, plus strand): 5'-CTGGGTCTGCCCACCCCTCAGGCTGTGGGTCCTCCCTCACCTGACCAGCCGGGCGGGCAG[C>T]GGCACTTGTACTCCGTCAGCGTGAGCAGGTCGCAGGTGCCCCCGTTGCGGCAGGGGTTGG-3'
Protein context (NP_060087.3, residues 118-138): DLLTLTEYKC[Arg128His]CPPGWSGKSC

ClinVar aggregate classification (germline): Conflicting classifications of pathogenicity. Review status: criteria provided, conflicting classifications (1 of 4 stars). 5 submissions from 4 submitters: Uncertain significance (4); Likely benign (1). Last evaluated 2026-01-12.

Conditions:
Adams-Oliver syndrome 5 (AOS5). Identifiers: Orphanet 974, MedGen C4014970, MONDO:0014459, OMIM 616028.
Familial thoracic aortic aneurysm and aortic dissection (TAAD). Also called: Thoracic aortic aneurysms and dissections. Identifiers: Orphanet 91387, MedGen C4707243, MONDO:0019625.
Aortic valve disease 1 (AOVD1). Identifiers: MedGen C3887892, MONDO:0024523, OMIM 109730.

Allele frequency attached by ClinVar (database versions not stated): ExAC 0.00008; TOPMed 0.00016; gnomAD 0.00018 and 0.00019.
gnomAD v4.1: 65 of 1,609,062 alleles (0.004%); highest among the groups gnomAD compares: African/African-American, 0.067%; no homozygotes.

Submissions (5):

Labcorp Genetics (formerly Invitae), Labcorp
Classification: Likely benign for Adams-Oliver syndrome 5. Last evaluated: 2026-01-12. Review status: criteria provided, single submitter. Criteria: Invitae Variant Classification Sherloc (09022015). Collection method: clinical testing. Allele origin: germline.

Ambry Genetics
Classification: Uncertain significance for Familial thoracic aortic aneurysm and aortic dissection. Last evaluated: 2024-03-28. Review status: criteria provided, single submitter. Criteria: Ambry Variant Classification Scheme 2023. Collection method: clinical testing. Allele origin: germline.
Comment: The p.R128H variant (also known as c.383G>A), located in coding exon 3 of the NOTCH1 gene, results from a G to A substitution at nucleotide position 383. The arginine at codon 128 is replaced by histidine, an amino acid with highly similar properties. This amino acid position is not well conserved in available vertebrate species. In addition, this alteration is predicted to be tolerated by in silico analysis. Based on the available evidence, the clinical significance of this alteration remains unclear.

Genome-Nilou Lab
Classification: Uncertain significance for Adams-Oliver syndrome 5. Last evaluated: 2022-03-15. Review status: criteria provided, single submitter. Criteria: ACMG Guidelines, 2015. Collection method: clinical testing. Allele origin: germline. Affected: no.

Genome-Nilou Lab
Classification: Uncertain significance for Aortic valve disease 1. Last evaluated: 2022-03-15. Review status: criteria provided, single submitter. Criteria: ACMG Guidelines, 2015. Collection method: clinical testing. Allele origin: germline. Affected: no.

GeneDx
Classification: Uncertain significance. Last evaluated: 2018-08-16. Review status: criteria provided, single submitter. Criteria: GeneDx Variant Classification (06012015). Collection method: clinical testing. Allele origin: germline. Affected: yes.
Comment: A variant of uncertain significance has been identified in the NOTCH1 gene. The R128H variant has not been published as a pathogenic variant, nor has it been reported as a benign variant to our knowledge. This variant was not observed in approximately 6,300 individuals of European and African American ancestry in the NHLBI Exome Sequencing Project, indicating it is not a common benign variant in these populations. However, the R128H variant is a conservative amino acid substitution, which is not likely to impact secondary protein structure as these residues share similar properties. This substitution occurs at a position that is not conserved across species and where histidine is the wild type in several species. Finally, in silico analysis is inconsistent in its predictions as to whether or not the variant is damaging to the protein structure/function.

Literature cited by the submitters: PubMed 32748548 (cited by Ambry Genetics).